The following is an entry in ClinVar:

ClinVar aggregate classification (germline): Pathogenic (1 of 4 stars; one submission).

Conditions:
Aortic valve disease 2 (AOVD2). Identifiers: MedGen C3542024, MONDO:0013902, OMIM 614823.

Submission:

Labcorp Genetics (formerly Invitae), Labcorp
Classification: Pathogenic for Aortic valve disease 2. Last evaluated: 2021-05-06. Review status: criteria provided, single submitter. Criteria: Invitae Variant Classification Sherloc (09022015). Collection method: clinical testing. Allele origin: germline.
Comment: This sequence change creates a premature translational stop signal (p.Leu94Profs*2) in the TBX5 gene. It is expected to result in an absent or disrupted protein product. Loss-of-function variants in TBX5 are known to be pathogenic (PMID: 16183809, 16917909). For these reasons, this variant has been classified as Pathogenic. This variant has not been reported in the literature in individuals with TBX5-related conditions. ClinVar contains an entry for this variant (Variation ID: 411102). This variant is not present in population databases (ExAC no frequency).

Literature cited by the submitters: PubMed 16183809; PubMed 16917909.

NM_181486.4(TBX5):c.278dup (p.Leu94fs)

Gene: TBX5 (T-box transcription factor 5; minus strand). Cytogenetic location: 12q24.21.
Variant type: Duplication.
Coding change: c.278dup on transcript NM_181486.4 (MANE Select); coding-DNA position 278, one base duplicated (G; older notation c.278dupG).
Protein change: p.Leu94fs; shifts the reading frame from leucine 94.
Molecular consequence: frameshift variant.
Genome position (GRCh38, 1-based): chr12:114,399,597, C duplicated on the plus strand (G on the coding strand, the reverse complement: TBX5 is on the minus strand); the first of 3 consecutive C bases (chr12:114,399,597-114,399,599); duplicating any one gives the same sequence. VCF-style (leftmost placement, unchanged base first): chr12-114399596-G-GC. GRCh37 (hg19) VCF-style: chr12-114837401-G-GC.
Other names: c.278dupG (NM_000192.3); c.278dup, p.Leu94fs (NM_000192.3); c.128dup, p.Leu44fs (NM_080717.4); short protein forms L94fs, L44fs.
Identifiers: ClinVar variation 411102 (VCV000411102.6), dbSNP rs1555226420, ClinGen allele CA16613673.